The following is an entry in ClinVar:

NM_001292063.2(OTOG):c.6527A>G (p.Lys2176Arg)

Gene: OTOG (otogelin; plus strand). Cytogenetic location: 11p15.1.
Variant type: single nucleotide variant.
Coding change: c.6527A>G on transcript NM_001292063.2 (MANE Select); coding-DNA position 6527, A replaced by G.
Protein change: p.Lys2176Arg; replaces lysine 2176 with arginine.
Molecular consequence: missense variant.
Genome position (GRCh38, 1-based): chr11:17,613,700, A>G. VCF-style: chr11-17613700-A-G. GRCh37 (hg19) VCF-style: chr11-17635247-A-G.
Other names: c.6563A>G, p.Lys2188Arg (NM_001277269.2); short protein forms K2176R, K2188R.
Identifiers: ClinVar variation 1333034 (VCV001333034.3), dbSNP rs931554933, ClinGen allele CA218480205.

ClinVar aggregate classification (germline): Uncertain significance. Review status: criteria provided, multiple submitters, no conflicts (2 of 4 stars). 2 submissions from 2 submitters: Uncertain significance (2). Last evaluated 2026-08-17.

Conditions:
OTOG-related disorder. Also called: OTOG-related condition.

Allele frequency attached by ClinVar (database versions not stated): gnomAD 0.00001; TOPMed 0.00001; gnomAD exomes 0.00002 and 0.00003.
gnomAD v4.1: 36 of 1,544,174 alleles (0.0023%); highest among the groups gnomAD compares: Middle Eastern, 0.05%; no homozygotes.

Submissions (2):

PreventionGenetics, part of Exact Sciences
Classification: Uncertain significance for OTOG-related condition. Last evaluated: 2026-08-17. Review status: criteria provided, single submitter. Criteria: ACMG Guidelines, 2015. Collection method: clinical testing. Allele origin: germline.
Comment: The OTOG c.6563A>G variant is predicted to result in the amino acid substitution p.Lys2188Arg. To our knowledge, this variant has not been reported in the literature. This variant is reported in 0.0044% of alleles in individuals of South Asian descent in gnomAD. At this time, the clinical significance of this variant is uncertain due to the absence of conclusive functional and genetic evidence.

GeneDx
Classification: Uncertain significance. Last evaluated: 2022-01-04. Review status: criteria provided, single submitter. Criteria: GeneDx Variant Classification Process June 2021. Collection method: clinical testing. Allele origin: germline. Affected: yes.
Comment: Not observed at significant frequency in large population cohorts (gnomAD); In silico analysis supports that this missense variant does not alter protein structure/function; Has not been previously published as pathogenic or benign to our knowledge